The following is an entry in ClinVar:

NM_001909.5(CTSD):c.704+6C>A

Gene: CTSD (cathepsin D; minus strand). Cytogenetic location: 11p15.5.
Variant type: single nucleotide variant.
Coding change: c.704+6C>A on transcript NM_001909.5 (MANE Select); 6 bases into the intron after coding-DNA position 704, C replaced by A.
Molecular consequence: intron variant.
Genome position (GRCh38, 1-based): chr11:1,757,318, G>T on the plus strand (C>A on the coding strand, the complement: CTSD is on the minus strand). VCF-style: chr11-1757318-G-T. GRCh37 (hg19) VCF-style: chr11-1778548-G-T.
Identifiers: ClinVar variation 1040946 (VCV001040946.6), dbSNP rs370847523, ClinGen allele CA1947827560.

ClinVar aggregate classification (germline): Uncertain significance (1 of 4 stars; one submission).

Conditions:
Neuronal ceroid lipofuscinosis. Also called: Neuronal Ceroid Lipofuscinoses. Identifiers: Orphanet 216, Orphanet 79263, MedGen C0027877, MONDO:0016295. Disease mechanism: loss of function.

Submission:

Labcorp Genetics (formerly Invitae), Labcorp
Classification: Uncertain significance for Neuronal ceroid lipofuscinosis. Last evaluated: 2023-08-10. Review status: criteria provided, single submitter. Criteria: Invitae Variant Classification Sherloc (09022015). Collection method: clinical testing. Allele origin: germline.
Comment: In summary, the available evidence is currently insufficient to determine the role of this variant in disease. Therefore, it has been classified as a Variant of Uncertain Significance. Variants that disrupt the consensus splice site are a relatively common cause of aberrant splicing (PMID: 17576681, 9536098). Algorithms developed to predict the effect of sequence changes on RNA splicing suggest that this variant is not likely to affect RNA splicing. ClinVar contains an entry for this variant (Variation ID: 1040946). This variant has not been reported in the literature in individuals affected with CTSD-related conditions. This variant is not present in population databases (gnomAD no frequency). This sequence change falls in intron 5 of the CTSD gene. It does not directly change the encoded amino acid sequence of the CTSD protein. It affects a nucleotide within the consensus splice site.

Literature cited by the submitters: PubMed 17576681; PubMed 9536098.